The following is an entry in ClinVar:

NM_000535.7(PMS2):c.744T>C (p.Ser248=)

Gene: PMS2 (PMS1 homolog 2, mismatch repair system component; minus strand). Cytogenetic location: 7p22.1.
Variant type: single nucleotide variant.
Coding change: c.744T>C on transcript NM_000535.7 (MANE Select); coding-DNA position 744, T replaced by C.
Protein change: p.Ser248=; no amino-acid change (serine 248 retained).
Molecular consequence: synonymous variant. On other transcripts: 5 prime UTR variant (2), non-coding transcript variant (1).
Genome position (GRCh38, 1-based): chr7:5,997,385, A>G on the plus strand (T>C on the coding strand, the complement: PMS2 is on the minus strand). VCF-style: chr7-5997385-A-G. GRCh37 (hg19) VCF-style: chr7-6037016-A-G.
Other names: c.339T>C, p.Ser113= (NM_001322003.2, NM_001322004.2, NM_001322005.2 and 2 more transcripts); c.744T>C, p.Ser248= (NM_001322006.2, NM_001322014.2); c.426T>C, p.Ser142= (NM_001322007.2, NM_001322008.2); c.-190T>C (NM_001322011.2, NM_001322012.2); c.171T>C, p.Ser57= (NM_001322013.2); c.435T>C, p.Ser145= (NM_001322015.2).
Identifiers: ClinVar variation 492294 (VCV000492294.4), dbSNP rs1554301489, ClinGen allele CA453646169.

ClinVar aggregate classification (germline): Benign/Likely benign. Review status: criteria provided, multiple submitters, no conflicts (2 of 4 stars). 2 submissions from 2 submitters: Benign (1); Likely benign (1). Last evaluated 2025-01-28.

Conditions:
Hereditary cancer-predisposing syndrome. Also called: Hereditary neoplastic syndrome; Tumor predisposition; Hereditary Cancer Syndrome; Neoplastic Syndromes, Hereditary. Identifiers: Orphanet 140162, MedGen C0027672, MeSH D009386, MONDO:0015356.
Lynch syndrome 4 (LYNCH4). Also called: Colorectal cancer, hereditary nonpolyposis, type 4; Hereditary non-polyposis colorectal cancer, type 4. Identifiers: Orphanet 144, MedGen C1838333, MONDO:0013699, OMIM 614337. Disease mechanism: loss of function.

Submissions (2):

Myriad Genetics, Inc.
Classification: Benign for Lynch syndrome 4. Last evaluated: 2025-01-28. Review status: criteria provided, single submitter. Criteria: Myriad Autosomal Dominant, Autosomal Recessive and X-Linked Classification Criteria (2023). Collection method: clinical testing. Allele origin: unknown.
Comment: This variant is considered benign. This variant is a silent/synonymous amino acid change and it is not expected to impact splicing.

Color Diagnostics, LLC DBA Color Health
Classification: Likely benign for Hereditary cancer-predisposing syndrome. Last evaluated: 2016-12-14. Review status: criteria provided, single submitter. Criteria: ACMG Guidelines, 2015. Collection method: clinical testing. Allele origin: germline.